The following is an entry in ClinVar:

ClinVar aggregate classification (germline): Conflicting classifications of pathogenicity. Review status: criteria provided, conflicting classifications (1 of 4 stars). 2 submissions from 2 submitters: Pathogenic (1); Uncertain significance (1). Last evaluated 2023-08-10.

Allele frequency attached by ClinVar (database versions not stated): gnomAD exomes below 0.00001.
gnomAD v4.1: 1 of 1,614,140 alleles (0.000062%); highest among the groups gnomAD compares: South Asian, 0.0011%; no homozygotes.

Submissions (2):

Women's Health and Genetics/Laboratory Corporation of America, LabCorp
Classification: Uncertain significance. Last evaluated: 2023-08-10. Review status: criteria provided, single submitter. Criteria: LabCorp Variant Classification Summary - May 2015. Collection method: clinical testing. Allele origin: germline.
Comment: Variant summary: MCCC1 c.168C>G (p.Asn56Lys) results in a non-conservative amino acid change located in the N-terminal domain (IPR005481) of the encoded protein sequence. Five of five in-silico tools predict a damaging effect of the variant on protein function. The variant was absent in 251468 control chromosomes (gnomAD). The available data on variant occurrences in the general population are insufficient to allow any conclusion about variant significance. c.168C>G has been reported in the literature in a heterozygous, asymptomatic individual identified through newborn screening with slightly elevated urinary excretion of 3-hydroxyisovaleric acid and 3-methylcrotonylglycine; no second MCCC1 variant was identified in this individual (e.g., Morscher_2012). This report does not provide unequivocal conclusions about association of the variant with Methylcrotonyl-CoA Carboxylase Deficiency. To our knowledge, no experimental evidence demonstrating an impact on protein function has been reported. The following publication was ascertained in the context of this evaluation (PMID: 22264772). One submitter has reported clinical-significance assessments for this variant to ClinVar after 2014 and has classified the variant as pathogenic, citing overlapping evidence. Based on the evidence outlined above, the variant was classified as uncertain significance.

GeneDx
Classification: Pathogenic. Last evaluated: 2015-05-04. Review status: criteria provided, single submitter. Criteria: GeneDx Variant Classification (06012015). Collection method: clinical testing. Allele origin: germline. Affected: yes.
Comment: The N56K missense variant in the MCCC1 gene has been reported previously in an individual with apositive newborn screening result for 3-methylcrotonyl-CoA carboxylase (3-MCC) deficiency in whom reduced 3-MCC enzyme levels were detected in fibroblasts (Morscher et al., 2012). N56K occurs at a position that is conserved across species, and in silico analysis predicts that N56K is probably damaging to the protein structure/function. Furthermore, a missense variant in a nearby residue (M65L) has also been reported in the Human Gene Mutation Database in association with 3-MCC deficiency (Stenson et al., 2014), supporting the functional importance of this region of the protein. Therefore, we interpret N56K to be a pathogenic variant.

Literature cited by the submitters: PubMed 22264772 (cited by Women's Health and Genetics/Laboratory Corporation of America, LabCorp).

NM_020166.5(MCCC1):c.168C>G (p.Asn56Lys)

Gene: MCCC1 (methylcrotonyl-CoA carboxylase subunit 1; minus strand). Cytogenetic location: 3q27.1.
Variant type: single nucleotide variant.
Coding change: c.168C>G on transcript NM_020166.5 (MANE Select); coding-DNA position 168, C replaced by G.
Protein change: p.Asn56Lys; replaces asparagine 56 with lysine.
Molecular consequence: missense variant. On other transcripts: non-coding transcript variant (1), intron variant (2).
Genome position (GRCh38, 1-based): chr3:183,092,514, G>C on the plus strand (C>G on the coding strand, the complement: MCCC1 is on the minus strand). VCF-style: chr3-183092514-G-C. GRCh37 (hg19) VCF-style: chr3-182810302-G-C.
Other names: c.-55+2045C>G (NM_001363880.1); c.44+2045C>G (NM_001293273.2); c.168C>G (NM_020166.4); short protein forms N56K.
Identifiers: ClinVar variation 379698 (VCV000379698.3), dbSNP rs1057520695, ClinGen allele CA16604839.